The following is an entry in ClinVar:

ClinVar aggregate classification (germline): Likely benign (0 of 4 stars; one submission).

Conditions:
DROSHA-related disorder. Also called: DROSHA-related condition.

Allele frequency attached by ClinVar (database versions not stated): ExAC 0.00005; gnomAD 0.00005; TOPMed 0.00006; gnomAD exomes 0.00007; ESP Exome Variant Server 0.00008.
gnomAD v4.1: 121 of 1,613,814 alleles (0.0075%); highest among the groups gnomAD compares: Non-Finnish European, 0.007%; no homozygotes.

Submission:

PreventionGenetics, part of Exact Sciences
Classification: Likely benign for DROSHA-related condition. Last evaluated: 2023-12-13. Review status: no assertion criteria provided. Collection method: clinical testing. Allele origin: germline.
Comment: This variant is classified as likely benign based on ACMG/AMP sequence variant interpretation guidelines (Richards et al. 2015 PMID: 25741868, with internal and published modifications).

NM_001382508.1(DROSHA):c.3573G>A (p.Ala1191=)

Gene: DROSHA (drosha ribonuclease III; minus strand). Cytogenetic location: 5p13.3.
Variant type: single nucleotide variant.
Coding change: c.3573G>A on transcript NM_001382508.1 (MANE Select); coding-DNA position 3573, G replaced by A.
Protein change: p.Ala1191=; no amino-acid change (alanine 1191 retained).
Molecular consequence: synonymous variant.
Genome position (GRCh38, 1-based): chr5:31,410,840, C>T on the plus strand (G>A on the coding strand, the complement: DROSHA is on the minus strand). VCF-style: chr5-31410840-C-T. GRCh37 (hg19) VCF-style: chr5-31410947-C-T.
Other names: c.3462G>A, p.Ala1154= (NM_001100412.2); c.3573G>A, p.Ala1191= (NM_013235.5).
Identifiers: ClinVar variation 3054498 (VCV003054498.2), dbSNP rs370430557, ClinGen allele CA3217175.